The following is an entry in ClinVar:

NM_013450.4(BAZ2B):c.4964G>C (p.Gly1655Ala)

Gene: BAZ2B (bromodomain adjacent to zinc finger domain 2B; minus strand). Cytogenetic location: 2q24.2.
Variant type: single nucleotide variant.
Coding change: c.4964G>C on transcript NM_013450.4 (MANE Select); coding-DNA position 4964, G replaced by C.
Protein change: p.Gly1655Ala; replaces glycine 1655 with alanine.
Molecular consequence: missense variant.
Genome position (GRCh38, 1-based): chr2:159,349,180, C>G on the plus strand (G>C on the coding strand, the complement: BAZ2B is on the minus strand). VCF-style: chr2-159349180-C-G. GRCh37 (hg19) VCF-style: chr2-160205691-C-G.
Other names: c.4856G>C, p.Gly1619Ala (NM_001289975.1); c.4802G>C, p.Gly1601Ala (NM_001329857.2); c.4889G>C, p.Gly1630Ala (NM_001329858.2); short protein forms G1601A, G1619A, G1630A, G1655A.
Identifiers: ClinVar variation 3057289 (VCV003057289.2), dbSNP rs34949465, ClinGen allele CA1924010.

ClinVar aggregate classification (germline): Likely benign (0 of 4 stars; one submission).

Conditions:
BAZ2B-related disorder. Also called: BAZ2B-related condition.

Allele frequency attached by ClinVar (database versions not stated): gnomAD exomes 0.00011; ExAC 0.00023; 1000 Genomes Project 30x 0.00047; 1000 Genomes Project 0.00060; ESP Exome Variant Server 0.00067; gnomAD 0.00106; TOPMed 0.00138.
gnomAD v4.1: 334 of 1,614,082 alleles (0.021%); highest among the groups gnomAD compares: African/African-American, 0.39%; 3 homozygotes.

Submission:

PreventionGenetics, part of Exact Sciences
Classification: Likely benign for BAZ2B-related condition. Last evaluated: 2021-08-09. Review status: no assertion criteria provided. Collection method: clinical testing. Allele origin: germline.
Comment: This variant is classified as likely benign based on ACMG/AMP sequence variant interpretation guidelines (Richards et al. 2015 PMID: 25741868, with internal and published modifications).